The following is an entry in ClinVar:

ClinVar aggregate classification (germline): Benign. Review status: criteria provided, multiple submitters, no conflicts (2 of 4 stars). 2 submissions from 2 submitters: Benign (2). Last evaluated 2018-01-12.

Conditions:
Diamond-Blackfan anemia 3 (DBA3). Also called: RPS24-Related Diamond-Blackfan Anemia. Identifiers: Orphanet 124, MedGen C1857719, MONDO:0012529, OMIM 610629.

Allele frequency attached by ClinVar (database versions not stated): gnomAD exomes 0.00089; gnomAD 0.00473 and 0.00506; 1000 Genomes Project 0.00519; TOPMed 0.00578; 1000 Genomes Project 30x 0.00625; ESP Exome Variant Server 0.00767.
gnomAD v4.1: 2,082 of 1,612,348 alleles (0.13%); highest among the groups gnomAD compares: African/African-American, 1.4%; 12 homozygotes.

Submissions (2):

Illumina Laboratory Services, Illumina
Classification: Benign for Diamond-Blackfan anemia 3. Last evaluated: 2018-01-12. Review status: criteria provided, single submitter. Criteria: ICSL Variant Classification Criteria 13 December 2019. Collection method: clinical testing. Allele origin: germline.
Comment: This variant was observed in the ICSL laboratory as part of a predisposition screen in an ostensibly healthy population. It had not been previously curated by ICSL or reported in the Human Gene Mutation Database (HGMD: prior to June 1st, 2018), and was therefore a candidate for classification through an automated scoring system. Utilizing variant allele frequency, disease prevalence and penetrance estimates, and inheritance mode, an automated score was calculated to assess if this variant is too frequent to cause the disease. Based on the score and internal cut-off values, a variant classified as benign is not then subjected to further curation. The score for this variant resulted in a classification of benign for this disease.

Breakthrough Genomics
Classification: Benign. Review status: criteria provided, single submitter. Criteria: ACMG Guidelines, 2015. Collection method: not provided. Allele origin: germline. Inheritance: Autosomal dominant inheritance. Affected: yes.

NM_033022.4(RPS24):c.*99T>C

Gene: RPS24 (ribosomal protein S24; plus strand). Cytogenetic location: 10q22.3.
Variant type: single nucleotide variant.
Coding change: c.*99T>C on transcript NM_033022.4 (MANE Select); 99 bases downstream of the stop codon, T replaced by C.
Molecular consequence: 3 prime UTR variant. On other transcripts: intron variant (1).
Genome position (GRCh38, 1-based): chr10:78,040,694, T>C. VCF-style: chr10-78040694-T-C. GRCh37 (hg19) VCF-style: chr10-79800452-T-C.
Other names: c.*68T>C (NM_001026.5); c.*99T>C (NM_001142282.2); c.*114T>C (NM_001142283.2, NM_001142284.2); c.390+3390T>C (NM_001142285.2).
Identifiers: ClinVar variation 301099 (VCV000301099.6), dbSNP rs146068394, ClinGen allele CA10636576.